The following is an entry in ClinVar:

ClinVar aggregate classification (germline): Conflicting classifications of pathogenicity. Review status: criteria provided, conflicting classifications (1 of 4 stars). 2 submissions from 2 submitters: Uncertain significance (1); Benign (1). Last evaluated 2025-10-28.

Conditions:
Fanconi anemia complementation group O. Also called: RAD51C-Related Fanconi Anemia. Identifiers: Orphanet 84, MedGen C3150653, MONDO:0013248, OMIM 613390.
Hereditary cancer-predisposing syndrome. Also called: Tumor predisposition; Hereditary neoplastic syndrome; Neoplastic Syndromes, Hereditary; Hereditary Cancer Syndrome. Identifiers: Orphanet 140162, MedGen C0027672, MeSH D009386, MONDO:0015356.

gnomAD v4.1: 1 of 1,614,060 alleles (0.000062%); highest among the groups gnomAD compares: Middle Eastern, 0.016%; no homozygotes.

Submissions (2):

Ambry Genetics
Classification: Benign for Hereditary cancer-predisposing syndrome. Last evaluated: 2025-10-28. Review status: criteria provided, single submitter. Criteria: Ambry Variant Classification Scheme 2023. Collection method: clinical testing. Allele origin: germline.

Labcorp Genetics (formerly Invitae), Labcorp
Classification: Uncertain significance for Fanconi anemia complementation group O. Last evaluated: 2024-11-10. Review status: criteria provided, single submitter. Criteria: Invitae Variant Classification Sherloc (09022015). Collection method: clinical testing. Allele origin: germline.
Comment: This sequence change replaces glycine, which is neutral and non-polar, with arginine, which is basic and polar, at codon 189 of the RAD51C protein (p.Gly189Arg). This variant is not present in population databases (gnomAD no frequency). This missense change has been observed in individual(s) with ovarian cancer (PMID: 26261251). ClinVar contains an entry for this variant (Variation ID: 936752). Invitae Evidence Modeling of protein sequence and biophysical properties (such as structural, functional, and spatial information, amino acid conservation, physicochemical variation, residue mobility, and thermodynamic stability) indicates that this missense variant is expected to disrupt RAD51C protein function with a positive predictive value of 95%. In summary, the available evidence is currently insufficient to determine the role of this variant in disease. Therefore, it has been classified as a Variant of Uncertain Significance.

Literature cited by the submitters: PubMed 26261251 (cited by Ambry Genetics and Labcorp Genetics (formerly Invitae), Labcorp).

NM_058216.3(RAD51C):c.565G>A (p.Gly189Arg)

Gene: RAD51C (RAD51 paralog C; plus strand). Cytogenetic location: 17q22.
Variant type: single nucleotide variant.
Coding change: c.565G>A on transcript NM_058216.3 (MANE Select); coding-DNA position 565, G replaced by A.
Protein change: p.Gly189Arg; replaces glycine 189 with arginine.
Molecular consequence: missense variant.
Genome position (GRCh38, 1-based): chr17:58,696,853, G>A. VCF-style: chr17-58696853-G-A. GRCh37 (hg19) VCF-style: chr17-56774214-G-A.
Other names: short protein forms G189R.
Identifiers: ClinVar variation 936752 (VCV000936752.13), dbSNP rs1330937621, ClinGen allele CA400345487.
Genomic context (GRCh38, chr17:58,696,853, plus strand): 5'-GTGGTAGACCTTGCTACTGCCTGCATTCAGCACCTTCAGCTTATAGCAGAAAAACACAAG[G>A]GAGAGGGTAAGTTAGTAAATGATCTTCTTTTTTTCTGTATTAATAAAAGTAATTTGCATT-3'
Protein context (NP_478123.1, residues 179-199): HLQLIAEKHK[Gly189Arg]EEHRKALEDF